The following is an entry in ClinVar:

NM_001348716.2(KDM6B):c.228T>C (p.Tyr76=)

Gene: KDM6B (lysine demethylase 6B; plus strand). Cytogenetic location: 17p13.1.
Variant type: single nucleotide variant.
Coding change: c.228T>C on transcript NM_001348716.2 (MANE Select); coding-DNA position 228, T replaced by C.
Protein change: p.Tyr76=; no amino-acid change (tyrosine 76 retained).
Molecular consequence: synonymous variant.
Genome position (GRCh38, 1-based): chr17:7,845,962, T>C. VCF-style: chr17-7845962-T-C. GRCh37 (hg19) VCF-style: chr17-7749280-T-C.
Other names: c.228T>C, p.Tyr76= (NM_001080424.2).
Identifiers: ClinVar variation 4821178 (VCV004821178.4).

ClinVar aggregate classification (germline): Likely benign (1 of 4 stars; one submission).

Submission:

CeGaT Center for Human Genetics Tuebingen
Classification: Likely benign. Last evaluated: 2026-03-01. Review status: criteria provided, single submitter. Criteria: CeGaT Center For Human Genetics Tuebingen Variant Classification Criteria Version 2. Collection method: clinical testing. Allele origin: germline. Affected: yes. Observed: 1 variant allele.
Comment: KDM6B: PM2:Supporting, BP4, BP7